The following is an entry in ClinVar:

ClinVar aggregate classification (germline): Likely benign (1 of 4 stars; one submission).

Submission:

CeGaT Center for Human Genetics Tuebingen
Classification: Likely benign. Last evaluated: 2025-04-01. Review status: criteria provided, single submitter. Criteria: CeGaT Center For Human Genetics Tuebingen Variant Classification Criteria Version 2. Collection method: clinical testing. Allele origin: germline. Affected: yes. Observed: 1 variant allele.
Comment: COL4A1: BP4, BP7

NM_001845.6(COL4A1):c.3426C>T (p.Gly1142=)

Gene: COL4A1 (collagen type IV alpha 1 chain; minus strand). Cytogenetic location: 13q34.
Variant type: single nucleotide variant.
Coding change: c.3426C>T on transcript NM_001845.6 (MANE Select); coding-DNA position 3426, C replaced by T.
Protein change: p.Gly1142=; no amino-acid change (glycine 1142 retained).
Molecular consequence: synonymous variant.
Genome position (GRCh38, 1-based): chr13:110,173,979, G>A on the plus strand (C>T on the coding strand, the complement: COL4A1 is on the minus strand). VCF-style: chr13-110173979-G-A. GRCh37 (hg19) VCF-style: chr13-110826326-G-A.
Identifiers: ClinVar variation 3898681 (VCV003898681.7).
Genomic context (GRCh38, chr13:110,173,979, plus strand): 5'-TGCTGACCCCGGGATTCCATCACTGCCTGGCTCCCCTTTCTGGCCAGCTGGGCCTGTGGG[G>A]CCAGGAGTCCCAGGAAGACCTCAAAGAGAAAAGTCACATCAGACACCCGCATAACCTCTC-3'
Protein context (NP_001836.3, residues 1132-1152): KGEAGLPGTP[Gly1142=]PTGPAGQKGE